The following is an entry in ClinVar:

ClinVar aggregate classification (germline): Uncertain significance (1 of 4 stars; one submission).

Conditions:
Primary ciliary dyskinesia. Also called: Ciliary dyskinesia. Identifiers: Orphanet 244, MedGen C0008780, MONDO:0016575, HP:0012265.

Submission:

Labcorp Genetics (formerly Invitae), Labcorp
Classification: Uncertain significance for Primary ciliary dyskinesia. Last evaluated: 2024-12-12. Review status: criteria provided, single submitter. Criteria: Invitae Variant Classification Sherloc (09022015). Collection method: clinical testing. Allele origin: germline.
Comment: This sequence change falls in intron 73 of the DNAH11 gene. It does not directly change the encoded amino acid sequence of the DNAH11 protein. This variant is not present in population databases (gnomAD no frequency). This variant has not been reported in the literature in individuals affected with DNAH11-related conditions. Algorithms developed to predict the effect of sequence changes on RNA splicing suggest that this variant may disrupt the consensus splice site. In summary, the available evidence is currently insufficient to determine the role of this variant in disease. Therefore, it has been classified as a Variant of Uncertain Significance.

NM_001277115.2(DNAH11):c.11968-4T>C

Gene: DNAH11 (dynein axonemal heavy chain 11; plus strand). Cytogenetic location: 7p15.3.
Variant type: single nucleotide variant.
Coding change: c.11968-4T>C on transcript NM_001277115.2 (MANE Select); 4 bases into the intron before coding-DNA position 11968, T replaced by C.
Molecular consequence: intron variant.
Genome position (GRCh38, 1-based): chr7:21,873,270, T>C. VCF-style: chr7-21873270-T-C. GRCh37 (hg19) VCF-style: chr7-21912888-T-C.
Identifiers: ClinVar variation 3727202 (VCV003727202.2).
Genomic context (GRCh38, chr7:21,873,270, plus strand): 5'-TAATCTTATAATTCAAGTAATATGCCTCACCTTCACAGGAATTATGCACCATGCTATCTT[T>C]CAGAATGTTCATTTGGTAGCCAAGTGGCTAGGAACCTTGGAGAAGCTCCTTGAAAGATTC-3'